The following is an entry in ClinVar:

NM_000264.5(PTCH1):c.2777G>A (p.Trp926Ter)

Gene: PTCH1 (patched 1; minus strand). Cytogenetic location: 9q22.32.
Variant type: single nucleotide variant.
Coding change: c.2777G>A on transcript NM_000264.5 (MANE Select); coding-DNA position 2777, G replaced by A.
Protein change: p.Trp926Ter; replaces tryptophan 926 with a stop codon.
Molecular consequence: nonsense. On other transcripts: non-coding transcript variant (1).
Genome position (GRCh38, 1-based): chr9:95,459,710, C>T on the plus strand (G>A on the coding strand, the complement: PTCH1 is on the minus strand). VCF-style: chr9-95459710-C-T. GRCh37 (hg19) VCF-style: chr9-98221992-C-T.
Other names: c.2579G>A, p.Trp860Ter (NM_001083602.3); c.2774G>A, p.Trp925Ter (NM_001083603.3); c.2324G>A, p.Trp775Ter (NM_001083604.3, NM_001083605.3, NM_001083606.3 and 1 more transcripts); c.2621G>A, p.Trp874Ter (NM_001354918.2); short protein forms W925*, W775*, W860*, W874*, W926*.
Identifiers: ClinVar variation 4715146 (VCV004715146.1).

ClinVar aggregate classification (germline): Pathogenic (1 of 4 stars; one submission).

Conditions:
Gorlin syndrome. Also called: Nevoid Basal Cell Carcinoma Syndrome; Basal cell nevus syndrome. Identifiers: Orphanet 377, MedGen C0004779, MONDO:0007187.

Submission:

Labcorp Genetics (formerly Invitae), Labcorp
Classification: Pathogenic for Gorlin syndrome. Last evaluated: 2025-03-16. Review status: criteria provided, single submitter. Criteria: Invitae Variant Classification Sherloc (09022015). Collection method: clinical testing. Allele origin: germline.
Comment: This sequence change creates a premature translational stop signal (p.Trp926*) in the PTCH1 gene. It is expected to result in an absent or disrupted protein product. Loss-of-function variants in PTCH1 are known to be pathogenic (PMID: 16301862, 16419085). This variant is not present in population databases (gnomAD no frequency). This premature translational stop signal has been observed in individual(s) with basal cell nevus syndrome (PMID: 9620294). For these reasons, this variant has been classified as Pathogenic.

Literature cited by the submitters: PubMed 16301862; PubMed 16419085; PubMed 9620294.